The following is an entry in ClinVar:

NM_001377540.1(SLMAP):c.440C>G (p.Pro147Arg)

Gene: SLMAP (sarcolemma associated protein; plus strand). Cytogenetic location: 3p14.3.
Variant type: single nucleotide variant.
Coding change: c.440C>G on transcript NM_001377540.1 (MANE Select); coding-DNA position 440, C replaced by G.
Protein change: p.Pro147Arg; replaces proline 147 with arginine.
Molecular consequence: missense variant. On other transcripts: non-coding transcript variant (1).
Genome position (GRCh38, 1-based): chr3:57,847,217, C>G. VCF-style: chr3-57847217-C-G. GRCh37 (hg19) VCF-style: chr3-57832944-C-G.
Other names: c.440C>G, p.Pro147Arg (NM_001304420.3, NM_001304421.2, NM_001377538.1 and 17 more transcripts); short protein forms P147R.
Identifiers: ClinVar variation 2044278 (VCV002044278.7), dbSNP rs571819301, ClinGen allele CA2466821.

ClinVar aggregate classification (germline): Uncertain significance. Review status: criteria provided, multiple submitters, no conflicts (2 of 4 stars). 2 submissions from 2 submitters: Uncertain significance (2). Last evaluated 2025-12-01.

Conditions:
Brugada syndrome. Also called: Sudden Unexplained Death Syndrome; Sudden Unexplained Nocturnal Death Syndrome (SUNDS); Sudden unexpected nocturnal death syndrome; Sudden unexplained nocturnal death syndrome. Identifiers: Orphanet 130, MedGen C1142166, MONDO:0015263.

Allele frequency attached by ClinVar (database versions not stated): ExAC 0.00002; TOPMed 0.00003; gnomAD 0.00006.
gnomAD v4.1: 39 of 1,609,428 alleles (0.0024%); highest among the groups gnomAD compares: Middle Eastern, 0.083%; no homozygotes.

Submissions (2):

Ambry Genetics
Classification: Uncertain significance. Last evaluated: 2025-12-01. Review status: criteria provided, single submitter. Criteria: Ambry Variant Classification Scheme 2023. Collection method: clinical testing. Allele origin: germline.
Comment: The p.P147R variant (also known as c.440C>G), located in coding exon 4 of the SLMAP gene, results from a C to G substitution at nucleotide position 440. The proline at codon 147 is replaced by arginine, an amino acid with dissimilar properties. This amino acid position is conserved. In addition, the in silico prediction for this alteration is inconclusive. Since supporting evidence is limited at this time, the clinical significance of this alteration remains unclear.

Labcorp Genetics (formerly Invitae), Labcorp
Classification: Uncertain significance for Brugada syndrome. Last evaluated: 2025-08-04. Review status: criteria provided, single submitter. Criteria: Invitae Variant Classification Sherloc (09022015). Collection method: clinical testing. Allele origin: germline.
Comment: This sequence change replaces proline, which is neutral and non-polar, with arginine, which is basic and polar, at codon 147 of the SLMAP protein (p.Pro147Arg). This variant is present in population databases (rs571819301, gnomAD 0.004%). This variant has not been reported in the literature in individuals affected with SLMAP-related conditions. ClinVar contains an entry for this variant (Variation ID: 2044278). An algorithm developed to predict the effect of missense changes on protein structure and function (PolyPhen-2) suggests that this variant is likely to be disruptive. In summary, the available evidence is currently insufficient to determine the role of this variant in disease. Therefore, it has been classified as a Variant of Uncertain Significance.